The following is an entry in ClinVar:

ClinVar aggregate classification (germline): Conflicting classifications of pathogenicity. Review status: criteria provided, conflicting classifications (1 of 4 stars). 2 submissions from 2 submitters: Likely pathogenic (1); Uncertain significance (1). Last evaluated 2023-05-19.

Conditions:
TFAP2A-related disorder. Also called: TFAP2A-related condition.
Inborn genetic diseases. Identifiers: MedGen C0950123, MeSH D030342.

Submissions (2):

PreventionGenetics, part of Exact Sciences
Classification: Likely pathogenic for TFAP2A-related condition. Last evaluated: 2023-05-19. Review status: criteria provided, single submitter. Criteria: ACMG Guidelines, 2015. Collection method: clinical testing. Allele origin: germline.
Comment: The TFAP2A c.650G>T variant is predicted to result in the amino acid substitution p.Arg217Leu. To our knowledge, this variant has not been reported in the literature or in a large population database, indicating this variant is rare. This variant is interpreted as likely pathogenic.

Ambry Genetics
Classification: Uncertain significance for Inborn genetic diseases. Last evaluated: 2016-09-22. Review status: criteria provided, single submitter. Criteria: Ambry exome assertion method (8-5-2015). Collection method: clinical testing. Allele origin: germline. Affected: yes. Observed: 1 variant allele.

NM_001372066.1(TFAP2A):c.656G>T (p.Arg219Leu)

Genes: TFAP2A (transcription factor AP-2 alpha; minus strand), TFAP2A-AS2 (TFAP2A antisense RNA 2; plus strand), LOC121740638 (BRD4-independent group 4 enhancer GRCh37_chr6:10403277-10404476; plus strand). Cytogenetic location: 6p24.3.
Variant type: single nucleotide variant.
Coding change: c.656G>T on transcript NM_001372066.1 (MANE Select); coding-DNA position 656, G replaced by T.
Protein change: p.Arg219Leu; replaces arginine 219 with leucine.
Molecular consequence: missense variant. On other transcripts: non-coding transcript variant (1).
Genome position (GRCh38, 1-based): chr6:10,404,622, C>A on the plus strand (G>T on the coding strand, the complement: TFAP2A is on the minus strand). VCF-style: chr6-10404622-C-A. GRCh37 (hg19) VCF-style: chr6-10404855-C-A.
Other names: NM_003220.2:c.650G>T; c.632G>T, p.Arg211Leu (NM_001032280.3); c.638G>T, p.Arg213Leu (NM_001042425.3); short protein forms R211L, R213L, R219L.
Identifiers: ClinVar variation 521272 (VCV000521272.4), dbSNP rs1554111768, ClinGen allele CA362701491.